The following is an entry in ClinVar:

NM_000263.4(NAGLU):c.1093C>T (p.Gln365Ter)

Gene: NAGLU (N-acetyl-alpha-glucosaminidase; plus strand). Cytogenetic location: 17q21.2.
Variant type: single nucleotide variant.
Coding change: c.1093C>T on transcript NM_000263.4 (MANE Select); coding-DNA position 1093, C replaced by T.
Protein change: p.Gln365Ter; replaces glutamine 365 with a stop codon.
Molecular consequence: nonsense.
Genome position (GRCh38, 1-based): chr17:42,543,099, C>T. VCF-style: chr17-42543099-C-T. GRCh37 (hg19) VCF-style: chr17-40695117-C-T.
Other names: short protein forms Q365*.
Identifiers: ClinVar variation 557513 (VCV000557513.15), dbSNP rs1555622242, ClinGen allele CA399601120.

ClinVar aggregate classification (germline): Pathogenic. Review status: criteria provided, multiple submitters, no conflicts (2 of 4 stars). 3 submissions from 3 submitters: Pathogenic (2). 1 of the submissions does not count toward it. Last evaluated 2023-01-15.

Conditions:
Mucopolysaccharidosis, MPS-III-B (MPS3B). Also called: MPS III B; MUCOPOLYSACCHARIDOSIS, TYPE IIIB; N-ACETYL-ALPHA-D-GLUCOSAMINIDASE DEFICIENCY; NAGLU DEFICIENCY; SANFILIPPO SYNDROME B; Mucopolysaccharidosis type IIIB (Sanfilippo B). Identifiers: Orphanet 79270, MedGen C0086648, MONDO:0009656, OMIM 252920.
Charcot-Marie-Tooth disease axonal type 2V. Also called: CHARCOT-MARIE-TOOTH NEUROPATHY, TYPE 2V; CHARCOT-MARIE-TOOTH DISEASE, AXONAL, AUTOSOMAL DOMINANT, TYPE 2V. Identifiers: Orphanet 447964, MedGen C5569050, MONDO:0014665, OMIM 616491.

Allele frequency attached by ClinVar (database versions not stated): gnomAD exomes below 0.00001.
gnomAD v4.1: 1 of 1,612,476 alleles (0.000062%); highest among the groups gnomAD compares: Non-Finnish European, 0.000085%; no homozygotes.

Submissions (3):

Labcorp Genetics (formerly Invitae), Labcorp
Classification: Pathogenic for Charcot-Marie-Tooth disease axonal type 2V; Mucopolysaccharidosis, MPS-III-B. Last evaluated: 2023-01-15. Review status: criteria provided, single submitter. Criteria: Invitae Variant Classification Sherloc (09022015). Collection method: clinical testing. Allele origin: germline.
Comment: For these reasons, this variant has been classified as Pathogenic. This sequence change creates a premature translational stop signal (p.Gln365*) in the NAGLU gene. While this is not anticipated to result in nonsense mediated decay, it is expected to disrupt the last 379 amino acid(s) of the NAGLU protein. This variant is not present in population databases (gnomAD no frequency). This variant has not been reported in the literature in individuals affected with NAGLU-related conditions. ClinVar contains an entry for this variant (Variation ID: 557513). This variant disrupts a region of the NAGLU protein in which other variant(s) (p.Arg626*) have been determined to be pathogenic (PMID: 8650226, 9832037, 10094189). This suggests that this is a clinically significant region of the protein, and that variants that disrupt it are likely to be disease-causing.

Revvity Omics, Revvity
Classification: Pathogenic. Last evaluated: 2020-04-23. Review status: criteria provided, single submitter. Criteria: ACMG Guidelines, 2015. Collection method: clinical testing. Allele origin: germline.

Counsyl
Classification: Likely pathogenic for Mucopolysaccharidosis, MPS-III-B. Last evaluated: 2018-03-27. Review status: no assertion criteria provided. Collection method: clinical testing. Allele origin: unknown. Not counted in ClinVar's aggregate classification.

Literature cited by the submitters: PubMed 8650226 (cited by Labcorp Genetics (formerly Invitae), Labcorp); PubMed 9832037 (cited by Labcorp Genetics (formerly Invitae), Labcorp); PubMed 10094189 (cited by Labcorp Genetics (formerly Invitae), Labcorp).